The following is an entry in ClinVar:

ClinVar aggregate classification (germline): Likely benign. Review status: criteria provided, multiple submitters, no conflicts (2 of 4 stars). 2 submissions from 2 submitters: Likely benign (2). Last evaluated 2019-07-11.

Conditions:
Inborn genetic diseases. Identifiers: MedGen C0950123, MeSH D030342.
Finnish type amyloidosis. Also called: AMYLOID CRANIAL NEUROPATHY WITH LATTICE CORNEAL DYSTROPHY; AMYLOIDOSIS DUE TO MUTANT GELSOLIN; Lattice corneal dystrophy associated with familial systemic amyloidosis; Meretoja's syndrome; Lattice dystrophy of the cornea with hereditary generalized amyloidosis; Amyloidosis, familial, Finnish type. Identifiers: Orphanet 85448, MedGen C1622345, MONDO:0007097, OMIM 105120.

Allele frequency attached by ClinVar (database versions not stated): gnomAD exomes 0.00001 and 0.00002; ExAC 0.00002; ESP Exome Variant Server 0.00008.
gnomAD v4.1: 7 of 1,614,146 alleles (0.00043%); highest among the groups gnomAD compares: Admixed American, 0.005%; no homozygotes.

Submissions (2):

Ambry Genetics
Classification: Likely benign for Inborn genetic diseases. Last evaluated: 2019-07-11. Review status: criteria provided, single submitter. Criteria: Ambry Variant Classification Scheme 2023. Collection method: clinical testing. Allele origin: germline.

Illumina Laboratory Services, Illumina
Classification: Likely benign for Finnish type amyloidosis. Last evaluated: 2018-01-13. Review status: criteria provided, single submitter. Criteria: ICSL Variant Classification Criteria 13 December 2019. Collection method: clinical testing. Allele origin: germline.
Comment: This variant was observed in the ICSL laboratory as part of a predisposition screen in an ostensibly healthy population. It had not been previously curated by ICSL or reported in the Human Gene Mutation Database (HGMD: prior to June 1st, 2018), and was therefore a candidate for classification through an automated scoring system. Utilizing variant allele frequency, disease prevalence and penetrance estimates, and inheritance mode, an automated score was calculated to assess if this variant is too frequent to cause the disease. Based on the score and internal cut-off values, a variant classified as likely benign is not then subjected to further curation. The score for this variant resulted in a classification of likely benign for this disease.

NM_198252.3(GSN):c.723G>A (p.Ala241=)

Gene: GSN (gelsolin; plus strand). Cytogenetic location: 9q33.2.
Variant type: single nucleotide variant.
Coding change: c.723G>A on transcript NM_198252.3 (MANE Select); coding-DNA position 723, G replaced by A.
Protein change: p.Ala241=; no amino-acid change (alanine 241 retained).
Molecular consequence: synonymous variant.
Genome position (GRCh38, 1-based): chr9:121,313,993, G>A. VCF-style: chr9-121313993-G-A. GRCh37 (hg19) VCF-style: chr9-124076271-G-A.
Other names: c.876G>A, p.Ala292= (NM_000177.5); c.723G>A, p.Ala241= (NM_001127662.2, NM_001127664.2, NM_001127665.2 and 10 more transcripts); c.831G>A, p.Ala277= (NM_001127663.2); c.756G>A, p.Ala252= (NM_001127666.2, NM_001127667.2, NM_001353063.2 and 13 more transcripts); c.774G>A, p.Ala258= (NM_001258029.2); c.747G>A, p.Ala249= (NM_001258030.2); c.795G>A, p.Ala265= (NM_001353076.2); c.69G>A, p.Ala23= (NM_001353078.2).
Identifiers: ClinVar variation 364805 (VCV000364805.7), dbSNP rs377624593, ClinGen allele CA5221008.